The following is an entry in ClinVar:

NM_177973.2(SULT2B1):c.277C>T (p.Arg93Cys)

Gene: SULT2B1 (sulfotransferase family 2B member 1; plus strand). Cytogenetic location: 19q13.33.
Variant type: single nucleotide variant.
Coding change: c.277C>T on transcript NM_177973.2 (MANE Select); coding-DNA position 277, C replaced by T.
Protein change: p.Arg93Cys; replaces arginine 93 with cysteine.
Molecular consequence: missense variant.
Genome position (GRCh38, 1-based): chr19:48,587,291, C>T. VCF-style: chr19-48587291-C-T. GRCh37 (hg19) VCF-style: chr19-49090548-C-T.
Other names: c.232C>T, p.Arg78Cys (NM_004605.2); short protein forms R93C, R78C.
Identifiers: ClinVar variation 778850 (VCV000778850.29), dbSNP rs149116557, ClinGen allele CA9553037.

ClinVar aggregate classification (germline): Likely benign. Review status: criteria provided, multiple submitters, no conflicts (2 of 4 stars). 2 submissions from 2 submitters: Likely benign (2). Last evaluated 2026-01-15.

Allele frequency attached by ClinVar (database versions not stated): gnomAD 0.00044 and 0.00054; TOPMed 0.00046; ESP Exome Variant Server 0.00054; gnomAD exomes 0.00072 and 0.00095; 1000 Genomes Project 30x 0.00078; ExAC 0.00099; 1000 Genomes Project 0.00100.

Submissions (2):

Labcorp Genetics (formerly Invitae), Labcorp
Classification: Likely benign. Last evaluated: 2026-01-15. Review status: criteria provided, single submitter. Criteria: Invitae Variant Classification Sherloc (09022015). Collection method: clinical testing. Allele origin: germline.

CeGaT Center for Human Genetics Tuebingen
Classification: Likely benign. Last evaluated: 2023-03-01. Review status: criteria provided, single submitter. Criteria: CeGaT Center For Human Genetics Tuebingen Variant Classification Criteria Version 2. Collection method: clinical testing. Allele origin: germline. Affected: yes. Observed: 1 variant allele.
Comment: SULT2B1: BS2